The following is an entry in ClinVar:

NM_002230.4(JUP):c.954_956del (p.Ile318del)

Gene: JUP (junction plakoglobin; minus strand). Cytogenetic location: 17q21.2.
Variant type: Deletion.
Coding change: c.954_956del on transcript NM_002230.4 (MANE Select); coding-DNA positions 954 to 956, 3 bases deleted (CAT; older notation c.954_956delCAT).
Protein change: p.Ile318del; deletes isoleucine 318.
Molecular consequence: inframe deletion.
Genome position (GRCh38, 1-based): chr17:41,765,021-41,765,023, ATG deleted on the plus strand (CAT on the coding strand, the reverse complement: JUP is on the minus strand); deleting any 3 consecutive bases within chr17:41,765,021-41,765,025 gives the same sequence; the c. name uses the placement nearest the transcript's 3' end. VCF-style (leftmost placement, unchanged base first): chr17-41765020-CATG-C. GRCh37 (hg19) VCF-style: chr17-39921272-CATG-C.
Other names: c.954_956del, p.Ile318del (NM_001352773.2, NM_001352774.2, NM_001352775.2 and 3 more transcripts); short protein forms I318del.
Identifiers: ClinVar variation 3757507 (VCV003757507.2).

ClinVar aggregate classification (germline): Uncertain significance (1 of 4 stars; one submission).

Conditions:
Naxos disease (NXD). Also called: KERATOSIS PALMOPLANTARIS WITH ARRHYTHMOGENIC CARDIOMYOPATHY; MAL DE NAXOS; PALMOPLANTAR KERATODERMA WITH ARRHYTHMOGENIC RIGHT VENTRICULAR CARDIOMYOPATHY AND WOOLLY HAIR; WOOLLY HAIR, PALMOPLANTAR KERATODERMA, AND CARDIAC ABNORMALITIES; CARDIOMYOPATHY, ARRHYTHMOGENIC RIGHT VENTRICULAR, WITH SKIN, HAIR, AND NAIL ABNORMALITIES. Identifiers: Orphanet 34217, MedGen C1832600, MONDO:0011017, OMIM 601214.
Arrhythmogenic right ventricular dysplasia 12. Also called: ARRHYTHMOGENIC RIGHT VENTRICULAR DYSPLASIA, FAMILIAL, 12. Identifiers: MedGen C1969081, MONDO:0012684, OMIM 611528.

Submission:

Labcorp Genetics (formerly Invitae), Labcorp
Classification: Uncertain significance for Arrhythmogenic right ventricular dysplasia 12; Naxos disease. Last evaluated: 2024-08-01. Review status: criteria provided, single submitter. Criteria: Invitae Variant Classification Sherloc (09022015). Collection method: clinical testing. Allele origin: germline.
Comment: This variant, c.954_956del, results in the deletion of 1 amino acid(s) of the JUP protein (p.Ile318del), but otherwise preserves the integrity of the reading frame. This variant is not present in population databases (gnomAD no frequency). This variant has not been reported in the literature in individuals affected with JUP-related conditions. Experimental studies and prediction algorithms are not available or were not evaluated, and the functional significance of this variant is currently unknown. In summary, the available evidence is currently insufficient to determine the role of this variant in disease. Therefore, it has been classified as a Variant of Uncertain Significance.